The following is an entry in ClinVar:

NM_003242.6(TGFBR2):c.1524+230C>G

Gene: TGFBR2 (transforming growth factor beta receptor 2; plus strand). Cytogenetic location: 3p24.1.
Variant type: single nucleotide variant.
Coding change: c.1524+230C>G on transcript NM_003242.6 (MANE Select); 230 bases into the intron after coding-DNA position 1524, C replaced by G.
Molecular consequence: intron variant.
Genome position (GRCh38, 1-based): chr3:30,688,741, C>G. VCF-style: chr3-30688741-C-G. GRCh37 (hg19) VCF-style: chr3-30730233-C-G.
Other names: c.1527+230C>G (NM_001407129.1); c.1419+230C>G (NM_001407132.1, NM_001407136.1, NM_001407133.1 and 2 more transcripts); c.1707+230C>G (NM_001407126.1); c.1599+230C>G (NM_001024847.3); c.654+230C>G (NM_001407139.1); c.1239+230C>G (NM_001407137.1); c.1632+230C>G (NM_001407127.1); c.1521+230C>G (NM_001407130.1); and 2 more.
Identifiers: ClinVar variation 679872 (VCV000679872.2), dbSNP rs9819937, ClinGen allele CA71544110.

ClinVar aggregate classification (germline): Benign (1 of 4 stars; one submission).

Allele frequency attached by ClinVar (database versions not stated): gnomAD 0.02255 and 0.02439; 1000 Genomes Project 30x 0.02280; 1000 Genomes Project 0.02316; TOPMed 0.02653.
gnomAD v4.1: 3,402 of 152,316 alleles (2.2%); highest among the groups gnomAD compares: African/African-American, 7.6%; 123 homozygotes.

Submission:

GeneDx
Classification: Benign. Last evaluated: 2018-06-19. Review status: criteria provided, single submitter. Criteria: GeneDx Variant Classification (06012015). Collection method: clinical testing. Allele origin: germline. Affected: yes.
Comment: This variant is considered likely benign or benign based on one or more of the following criteria: it is a conservative change, it occurs at a poorly conserved position in the protein, it is predicted to be benign by multiple in silico algorithms, and/or has population frequency not consistent with disease.